The following is an entry in ClinVar:

ClinVar aggregate classification (germline): Uncertain significance (1 of 4 stars; one submission).

Conditions:
RASopathy. Also called: Noonan spectrum disorder; rasopathies. Identifiers: Orphanet 536391, MedGen C5555857, MONDO:0021060.

Submission:

Labcorp Genetics (formerly Invitae), Labcorp
Classification: Uncertain significance for RASopathy. Last evaluated: 2024-03-21. Review status: criteria provided, single submitter. Criteria: Invitae Variant Classification Sherloc (09022015). Collection method: clinical testing. Allele origin: germline.
Comment: This sequence change replaces lysine, which is basic and polar, with glutamine, which is neutral and polar, at codon 493 of the RAF1 protein (p.Lys493Gln). This variant is not present in population databases (gnomAD no frequency). This variant has not been reported in the literature in individuals affected with RAF1-related conditions. Advanced modeling of protein sequence and biophysical properties (such as structural, functional, and spatial information, amino acid conservation, physicochemical variation, residue mobility, and thermodynamic stability) performed at Invitae indicates that this missense variant is expected to disrupt RAF1 protein function with a positive predictive value of 95%. In summary, the available evidence is currently insufficient to determine the role of this variant in disease. Therefore, it has been classified as a Variant of Uncertain Significance.

NM_002880.4(RAF1):c.1477A>C (p.Lys493Gln)

Gene: RAF1 (Raf-1 proto-oncogene, serine/threonine kinase; minus strand). Cytogenetic location: 3p25.2.
Variant type: single nucleotide variant.
Coding change: c.1477A>C on transcript NM_002880.4 (MANE Select); coding-DNA position 1477, A replaced by C.
Protein change: p.Lys493Gln; replaces lysine 493 with glutamine.
Molecular consequence: missense variant. On other transcripts: non-coding transcript variant (3).
Genome position (GRCh38, 1-based): chr3:12,585,740, T>G on the plus strand (A>C on the coding strand, the complement: RAF1 is on the minus strand). VCF-style: chr3-12585740-T-G. GRCh37 (hg19) VCF-style: chr3-12627239-T-G.
Other names: c.1537A>C, p.Lys513Gln (NM_001354689.3); c.1477A>C, p.Lys493Gln (NM_001354690.3); c.1234A>C, p.Lys412Gln (NM_001354691.3, NM_001354692.3); c.1378A>C, p.Lys460Gln (NM_001354693.3); c.1294A>C, p.Lys432Gln (NM_001354694.3); c.1135A>C, p.Lys379Gln (NM_001354695.3); short protein forms K379Q, K493Q, K412Q, K460Q, K513Q, K432Q.
Identifiers: ClinVar variation 3635592 (VCV003635592.2).